The following is an entry in ClinVar:

NM_031935.3(HMCN1):c.3861A>G (p.Pro1287=)

Gene: HMCN1 (hemicentin 1; plus strand). Cytogenetic location: 1q31.1.
Variant type: single nucleotide variant.
Coding change: c.3861A>G on transcript NM_031935.3 (MANE Select); coding-DNA position 3861, A replaced by G.
Protein change: p.Pro1287=; no amino-acid change (proline 1287 retained).
Molecular consequence: synonymous variant.
Genome position (GRCh38, 1-based): chr1:185,997,511, A>G. VCF-style: chr1-185997511-A-G. GRCh37 (hg19) VCF-style: chr1-185966643-A-G.
Identifiers: ClinVar variation 294138 (VCV000294138.16), dbSNP rs74134272, ClinGen allele CA1291832.

ClinVar aggregate classification (germline): Benign. Review status: criteria provided, multiple submitters, no conflicts (2 of 4 stars). 4 submissions from 4 submitters: Benign (4). Last evaluated 2026-02-01.

Conditions:
Age related macular degeneration 1 (ARMD1). Also called: MACULOPATHY, AGE-RELATED, 1. Identifiers: MedGen C1864205, MONDO:0011285, OMIM 603075.

Allele frequency attached by ClinVar (database versions not stated): gnomAD exomes 0.00591; ExAC 0.00731; gnomAD 0.02224 and 0.02399; 1000 Genomes Project 0.02436; TOPMed 0.02545; ESP Exome Variant Server 0.02637; 1000 Genomes Project 30x 0.02655.
gnomAD v4.1: 6,459 of 1,607,362 alleles (0.4%); highest among the groups gnomAD compares: African/African-American, 7.6%; 219 homozygotes.

Submissions (4):

Labcorp Genetics (formerly Invitae), Labcorp
Classification: Benign. Last evaluated: 2026-02-01. Review status: criteria provided, single submitter. Criteria: Invitae Variant Classification Sherloc (09022015). Collection method: clinical testing. Allele origin: germline.

Genome-Nilou Lab
Classification: Benign for Age related macular degeneration 1. Last evaluated: 2023-04-11. Review status: criteria provided, single submitter. Criteria: ACMG Guidelines, 2015. Collection method: clinical testing. Allele origin: germline. Affected: no.

Illumina Laboratory Services, Illumina
Classification: Benign for Age related macular degeneration 1. Last evaluated: 2018-01-13. Review status: criteria provided, single submitter. Criteria: ICSL Variant Classification Criteria 13 December 2019. Collection method: clinical testing. Allele origin: germline.
Comment: This variant was observed in the ICSL laboratory as part of a predisposition screen in an ostensibly healthy population. It had not been previously curated by ICSL or reported in the Human Gene Mutation Database (HGMD: prior to June 1st, 2018), and was therefore a candidate for classification through an automated scoring system. Utilizing variant allele frequency, disease prevalence and penetrance estimates, and inheritance mode, an automated score was calculated to assess if this variant is too frequent to cause the disease. Based on the score and internal cut-off values, a variant classified as benign is not then subjected to further curation. The score for this variant resulted in a classification of benign for this disease.

Breakthrough Genomics
Classification: Benign. Review status: criteria provided, single submitter. Criteria: ACMG Guidelines, 2015. Collection method: not provided. Allele origin: germline. Inheritance: Autosomal dominant inheritance. Affected: yes.